The following is an entry in ClinVar:

NM_000138.5(FBN1):c.7530A>G (p.Lys2510=)

Gene: FBN1 (fibrillin 1; minus strand). Cytogenetic location: 15q21.1.
Variant type: single nucleotide variant.
Coding change: c.7530A>G on transcript NM_000138.5 (MANE Select); coding-DNA position 7530, A replaced by G.
Protein change: p.Lys2510=; no amino-acid change (lysine 2510 retained).
Molecular consequence: synonymous variant.
Genome position (GRCh38, 1-based): chr15:48,421,992, T>C on the plus strand (A>G on the coding strand, the complement: FBN1 is on the minus strand). VCF-style: chr15-48421992-T-C. GRCh37 (hg19) VCF-style: chr15-48714189-T-C.
Identifiers: ClinVar variation 263330 (VCV000263330.38), dbSNP rs754992689, ClinGen allele CA058747.

ClinVar aggregate classification (germline): Likely benign. Review status: criteria provided, multiple submitters, no conflicts (2 of 4 stars). 8 submissions from 8 submitters: Likely benign (6). 2 of the submissions do not count toward it. Last evaluated 2024-02-05.

Conditions:
Familial thoracic aortic aneurysm and aortic dissection (TAAD). Also called: Thoracic aortic aneurysms and dissections. Identifiers: Orphanet 91387, MedGen C4707243, MONDO:0019625.
Marfan syndrome (MFS). Also called: Marfan syndrome, classic; MARFAN SYNDROME, TYPE I; FBN1-Related Marfan Syndrome; Marfan syndrome type 1; Marfan's syndrome. Identifiers: Orphanet 284963, Orphanet 558, MedGen C0024796, MONDO:0007947, OMIM 154700.

Allele frequency attached by ClinVar (database versions not stated): gnomAD exomes below 0.00001 and 0.00001; ExAC 0.00001.
gnomAD v4.1: 9 of 1,614,124 alleles (0.00056%); highest among the groups gnomAD compares: Non-Finnish European, 0.00068%; no homozygotes.

Submissions (8):

All of Us Research Program, National Institutes of Health
Classification: Likely benign for Marfan syndrome. Last evaluated: 2024-02-05. Review status: criteria provided, single submitter. Criteria: ACMG Guidelines, 2015. Collection method: clinical testing. Allele origin: germline. Inheritance: Autosomal dominant inheritance. Observed: 4 variant alleles, 4 heterozygotes.
Comment: This study involves interpretation of variants in research participants for the purpose of population health screening. Participant phenotype was not available at the time of variant classification. Additional details can be found in publication PMID: 35346344, PMCID: PMC8962531

CeGaT Center for Human Genetics Tuebingen
Classification: Likely benign. Last evaluated: 2023-11-01. Review status: criteria provided, single submitter. Criteria: CeGaT Center For Human Genetics Tuebingen Variant Classification Criteria Version 2. Collection method: clinical testing. Allele origin: germline. Affected: yes. Observed: 1 variant allele.
Comment: FBN1: BP4, BP7

Labcorp Genetics (formerly Invitae), Labcorp
Classification: Likely benign for Marfan syndrome; Familial thoracic aortic aneurysm and aortic dissection. Last evaluated: 2022-08-07. Review status: criteria provided, single submitter. Criteria: Invitae Variant Classification Sherloc (09022015). Collection method: clinical testing. Allele origin: germline.

Color Diagnostics, LLC DBA Color Health
Classification: Likely benign for Familial thoracic aortic aneurysm and aortic dissection. Last evaluated: 2020-07-13. Review status: criteria provided, single submitter. Criteria: ACMG Guidelines, 2015. Collection method: clinical testing. Allele origin: germline.

GeneDx
Classification: Likely benign. Last evaluated: 2018-05-04. Review status: criteria provided, single submitter. Criteria: GeneDx Variant Classification (06012015). Collection method: clinical testing. Allele origin: germline. Affected: yes.
Comment: This variant is considered likely benign or benign based on one or more of the following criteria: it is a conservative change, it occurs at a poorly conserved position in the protein, it is predicted to be benign by multiple in silico algorithms, and/or has population frequency not consistent with disease.

Ambry Genetics
Classification: Likely benign for Familial thoracic aortic aneurysm and aortic dissection. Last evaluated: 2016-06-23. Review status: criteria provided, single submitter. Criteria: Ambry Variant Classification Scheme 2023. Collection method: clinical testing. Allele origin: germline.

Genome Diagnostics Laboratory, Amsterdam University Medical Center
Classification: Likely benign. Review status: no assertion criteria provided. Collection method: clinical testing. Allele origin: germline. Affected: yes. Study: VKGL Data-share Consensus. Not counted in ClinVar's aggregate classification.

Genome Diagnostics Laboratory, University Medical Center Utrecht
Classification: Likely benign. Review status: no assertion criteria provided. Collection method: clinical testing. Allele origin: germline. Affected: yes. Study: VKGL Data-share Consensus. Not counted in ClinVar's aggregate classification.